The following is an entry in ClinVar:

ClinVar aggregate classification (germline): Pathogenic (1 of 4 stars; one submission).

Conditions:
Brachyolmia-amelogenesis imperfecta syndrome. Also called: PLATYSPONDYLY WITH AMELOGENESIS IMPERFECTA; Tooth agenesis, selective, 6; Dental anomalies and short stature. Identifiers: Orphanet 2899, MedGen C1832594, MONDO:0011018, OMIM 601216. Disease mechanism: loss of function.

Submission:

Labcorp Genetics (formerly Invitae), Labcorp
Classification: Pathogenic for Brachyolmia-amelogenesis imperfecta syndrome. Last evaluated: 2024-06-02. Review status: criteria provided, single submitter. Criteria: Invitae Variant Classification Sherloc (09022015). Collection method: clinical testing. Allele origin: germline.
Comment: This sequence change creates a premature translational stop signal (p.Gln854Argfs*14) in the LTBP3 gene. It is expected to result in an absent or disrupted protein product. Loss-of-function variants in LTBP3 are known to be pathogenic (PMID: 11790802, 19344874, 25669657). This variant is not present in population databases (gnomAD no frequency). This variant has not been reported in the literature in individuals affected with LTBP3-related conditions. For these reasons, this variant has been classified as Pathogenic.

Literature cited by the submitters: PubMed 11790802; PubMed 19344874; PubMed 25669657.

NM_001130144.3(LTBP3):c.2561del (p.Gln854fs)

Gene: LTBP3 (latent transforming growth factor beta binding protein 3; minus strand). Cytogenetic location: 11q13.1.
Variant type: Deletion.
Coding change: c.2561del on transcript NM_001130144.3 (MANE Select); coding-DNA position 2561, one base deleted (A; older notation c.2561delA).
Protein change: p.Gln854fs; shifts the reading frame from glutamine 854.
Molecular consequence: frameshift variant.
Genome position (GRCh38, 1-based): chr11:65,543,140, T deleted on the plus strand (A on the coding strand, the reverse complement: LTBP3 is on the minus strand). VCF-style (leftmost placement, unchanged base first): chr11-65543139-CT-C. GRCh37 (hg19) VCF-style: chr11-65310610-CT-C.
Other names: c.2210del, p.Gln737fs (NM_001164266.1); c.2561del, p.Gln854fs (NM_021070.4); short protein forms Q737fs, Q854fs.
Identifiers: ClinVar variation 3691492 (VCV003691492.2).